The following is an entry in ClinVar:

ClinVar aggregate classification (germline): Likely benign (0 of 4 stars; one submission).

Conditions:
PLXNA4-related disorder. Also called: PLXNA4-related condition.

Submission:

PreventionGenetics, part of Exact Sciences
Classification: Likely benign for PLXNA4-related condition. Last evaluated: 2022-03-17. Review status: no assertion criteria provided. Collection method: clinical testing. Allele origin: germline.
Comment: This variant is classified as likely benign based on ACMG/AMP sequence variant interpretation guidelines (Richards et al. 2015 PMID: 25741868, with internal and published modifications).

NM_020911.2(PLXNA4):c.3273T>C (p.Ala1091=)

Gene: PLXNA4 (plexin A4; minus strand). Cytogenetic location: 7q32.3.
Variant type: single nucleotide variant.
Coding change: c.3273T>C on transcript NM_020911.2 (MANE Select); coding-DNA position 3273, T replaced by C.
Protein change: p.Ala1091=; no amino-acid change (alanine 1091 retained).
Molecular consequence: synonymous variant.
Genome position (GRCh38, 1-based): chr7:132,181,600, A>G on the plus strand (T>C on the coding strand, the complement: PLXNA4 is on the minus strand). VCF-style: chr7-132181600-A-G. GRCh37 (hg19) VCF-style: chr7-131866359-A-G.
Other names: c.3273T>C, p.Ala1091= (NM_001393897.1).
Identifiers: ClinVar variation 3353945 (VCV003353945.1).